The following is an entry in ClinVar:

NM_002386.4(MC1R):c.483G>A (p.Ala161=)

Gene: MC1R (melanocortin 1 receptor; plus strand). Cytogenetic location: 16q24.3.
Variant type: single nucleotide variant.
Coding change: c.483G>A on transcript NM_002386.4 (MANE Select); coding-DNA position 483, G replaced by A.
Protein change: p.Ala161=; no amino-acid change (alanine 161 retained).
Molecular consequence: synonymous variant.
Genome position (GRCh38, 1-based): chr16:89,919,741, G>A. VCF-style: chr16-89919741-G-A. GRCh37 (hg19) VCF-style: chr16-89986149-G-A.
Other names: c.483G>A (NM_002386.3).
Identifiers: ClinVar variation 1582260 (VCV001582260.11), dbSNP rs541831292, ClinGen allele CA8255613.
Genomic context (GRCh38, chr16:89,919,741, plus strand): 5'-CCGCTACATCTCCATCTTCTACGCACTGCGCTACCACAGCATCGTGACCCTGCCGCGGGC[G>A]CGGCGAGCCGTTGCGGCCATCTGGGTGGCCAGTGTCGTCTTCAGCACGCTCTTCATCGCC-3'
Protein context (NP_002377.4, residues 151-171): RYHSIVTLPR[Ala161=]RRAVAAIWVA

ClinVar aggregate classification (germline): Likely benign. Review status: criteria provided, multiple submitters, no conflicts (2 of 4 stars). 3 submissions from 3 submitters: Likely benign (2). 1 of the submissions does not count toward it. Last evaluated 2025-10-27.

Conditions:
MC1R-related disorder. Also called: MC1R-related condition.
Melanoma, cutaneous malignant, susceptibility to, 5. Also called: Cutaneous malignant melanoma 5. Identifiers: Orphanet 618, MedGen C2751295, MONDO:0013133, OMIM 613099.

Allele frequency attached by ClinVar (database versions not stated): gnomAD exomes 0.00004 and 0.00006; TOPMed 0.00005; gnomAD 0.00006 and 0.00008; ExAC 0.00008; 1000 Genomes Project 30x 0.00016; 1000 Genomes Project 0.00020.

Submissions (3):

Labcorp Genetics (formerly Invitae), Labcorp
Classification: Likely benign for Melanoma, cutaneous malignant, susceptibility to, 5. Last evaluated: 2025-10-27. Review status: criteria provided, single submitter. Criteria: Invitae Variant Classification Sherloc (09022015). Collection method: clinical testing. Allele origin: germline.

Ambry Genetics
Classification: Likely benign. Last evaluated: 2024-12-07. Review status: criteria provided, single submitter. Criteria: Ambry Variant Classification Scheme 2023. Collection method: clinical testing. Allele origin: germline.

PreventionGenetics, part of Exact Sciences
Classification: Likely benign for MC1R-related condition. Last evaluated: 2020-02-14. Review status: no assertion criteria provided. Collection method: clinical testing. Allele origin: germline. Not counted in ClinVar's aggregate classification.
Comment: This variant is classified as likely benign based on ACMG/AMP sequence variant interpretation guidelines (Richards et al. 2015 PMID: 25741868, with internal and published modifications).